The following is an entry in ClinVar:

NM_007294.4(BRCA1):c.3762G>T (p.Lys1254Asn)

Genes: BRCA1 (BRCA1 DNA repair associated; minus strand), LOC126862571 (BRD4-independent group 4 enhancer GRCh37_chr17:41243136-41244335; plus strand). Cytogenetic location: 17q21.31.
Variant type: single nucleotide variant.
Coding change: c.3762G>T on transcript NM_007294.4 (MANE Select); coding-DNA position 3762, G replaced by T.
Protein change: p.Lys1254Asn; replaces lysine 1254 with asparagine.
Molecular consequence: missense variant. On other transcripts: intron variant (135).
Genome position (GRCh38, 1-based): chr17:43,091,769, C>A on the plus strand (G>T on the coding strand, the complement: BRCA1 is on the minus strand). VCF-style: chr17-43091769-C-A. GRCh37 (hg19) VCF-style: chr17-41243786-C-A.
Other names: c.3618G>T, p.Lys1206Asn (NM_001407749.1, NM_001407838.1, NM_001407839.1 and 20 more transcripts); c.3552G>T, p.Lys1184Asn (NM_001407900.1, NM_001407902.1, NM_001407904.1 and 13 more transcripts); c.3621G>T, p.Lys1207Asn (NM_001407750.1, NM_001407751.1, NM_001407752.1 and 29 more transcripts); c.3429G>T, p.Lys1143Asn (NM_001407949.1, NM_001407950.1, NM_001407951.1 and 6 more transcripts); c.785-737G>T (NM_001407985.1, NM_001407991.1, NM_001408397.1 and 13 more transcripts); c.3426G>T, p.Lys1142Asn (NM_001407954.1, NM_001407955.1, NM_001407956.1 and 1 more transcripts); c.548-737G>T (NM_001408494.1); c.3549G>T, p.Lys1183Asn (NM_001407915.1, NM_001407916.1, NM_001407917.1 and 9 more transcripts); and 41 more; short protein forms K1207N, K1254N, K1126N, K1142N, K1184N, K1206N, K1086N, K1187N.
Identifiers: ClinVar variation 1519354 (VCV001519354.16), dbSNP rs2053529032, ClinGen allele CA10594450.

ClinVar aggregate classification (germline): Conflicting classifications of pathogenicity. Review status: criteria provided, conflicting classifications (1 of 4 stars). 5 submissions from 5 submitters: Uncertain significance (4); Likely benign (1). Last evaluated 2026-01-08.

Conditions:
Breast-ovarian cancer, familial, susceptibility to, 1 (BROVCA1). Also called: OVARIAN CANCER, SUSCEPTIBILITY TO; BRCA1 Hereditary Breast and Ovarian Cancer. Identifiers: Orphanet 145, MedGen C2676676, MONDO:0011450, OMIM 604370. Disease mechanism: loss of function.
Hereditary breast ovarian cancer syndrome. Also called: Breast and ovarian cancer; Hereditary breast and/or ovarian cancer syndrome; Hereditary breast and ovarian cancer syndrome; BRCA1- and BRCA2-Associated Hereditary Breast and Ovarian Cancer; Hereditary breast and ovarian cancer; Hereditary breast and ovarian cancer syndrome (HBOC). Identifiers: Orphanet 145, MedGen C0677776, MeSH D061325, MONDO:0003582. Disease mechanism: loss of function.
Hereditary cancer-predisposing syndrome. Also called: Neoplastic Syndromes, Hereditary; Tumor predisposition; Hereditary Cancer Syndrome; Hereditary neoplastic syndrome. Identifiers: Orphanet 140162, MedGen C0027672, MeSH D009386, MONDO:0015356.
Familial cancer of breast. Also called: Hereditary breast cancer; BREAST CANCER, FAMILIAL; hereditary breast carcinoma. Identifiers: Orphanet 227535, MedGen C0346153, MONDO:0016419, OMIM 114480. Disease mechanism: loss of function.
Fanconi anemia, complementation group S (FANCS). Identifiers: MedGen C4554406, MONDO:0054748, OMIM 617883.

Allele frequency attached by ClinVar (database versions not stated): gnomAD exomes below 0.00001.
gnomAD v4.1: 3 of 1,614,106 alleles (0.00019%); highest among the groups gnomAD compares: Non-Finnish European, 0.00025%; no homozygotes.

Submissions (5):

Labcorp Genetics (formerly Invitae), Labcorp
Classification: Uncertain significance for Hereditary breast ovarian cancer syndrome. Last evaluated: 2026-01-08. Review status: criteria provided, single submitter. Criteria: Invitae Variant Classification Sherloc (09022015). Collection method: clinical testing. Allele origin: germline.
Comment: This sequence change replaces lysine, which is basic and polar, with asparagine, which is neutral and polar, at codon 1254 of the BRCA1 protein (p.Lys1254Asn). This variant is not present in population databases (gnomAD no frequency). This variant has not been reported in the literature in individuals affected with BRCA1-related conditions. ClinVar contains an entry for this variant (Variation ID: 1519354). Invitae Evidence Modeling of protein sequence and biophysical properties (such as structural, functional, and spatial information, amino acid conservation, physicochemical variation, residue mobility, and thermodynamic stability) indicates that this missense variant is not expected to disrupt BRCA1 protein function with a negative predictive value of 95%. In summary, the available evidence is currently insufficient to determine the role of this variant in disease. Therefore, it has been classified as a Variant of Uncertain Significance.

Ambry Genetics
Classification: Uncertain significance for Hereditary cancer-predisposing syndrome. Last evaluated: 2024-03-21. Review status: criteria provided, single submitter. Criteria: Ambry Variant Classification Scheme 2023. Collection method: clinical testing. Allele origin: germline.
Comment: The p.K1254N variant (also known as c.3762G>T), located in coding exon 9 of the BRCA1 gene, results from a G to T substitution at nucleotide position 3762. The lysine at codon 1254 is replaced by asparagine, an amino acid with similar properties. This amino acid position is not well conserved in available vertebrate species. In addition, this alteration is predicted to be tolerated by in silico analysis. Since supporting evidence is limited at this time, the clinical significance of this alteration remains unclear.

All of Us Research Program, National Institutes of Health
Classification: Uncertain significance for Breast-ovarian cancer, familial, susceptibility to, 1. Last evaluated: 2023-09-17. Review status: criteria provided, single submitter. Criteria: ACMG Guidelines, 2015. Collection method: clinical testing. Allele origin: germline. Inheritance: Autosomal dominant inheritance. Observed: 1 variant allele, 1 heterozygote.
Comment: This missense variant replaces lysine with asparagine at codon 1254 of the BRCA1 protein. Computational prediction suggests that this variant may not impact protein structure and function (internally defined REVEL score threshold <= 0.5, PMID: 27666373). To our knowledge, functional studies have not been reported for this variant. This variant has been detected in an individual affected with breast cancer (PMID: 32885271) and in a breast cancer case-control meta-analysis in 2/60466 cases and 0/53461 unaffected individuals (PMID: 33471991; Leiden Open Variation Database DB-ID BRCA1_006304). This variant has not been identified in the general population by the Genome Aggregation Database (gnomAD). The available evidence is insufficient to determine the role of this variant in disease conclusively. Therefore, this variant is classified as a Variant of Uncertain Significance.

This study involves interpretation of variants in research participants for the purpose of population health screening. Participant phenotype was not available at the time of variant classification. Additional details can be found in publication PMID: 35346344, PMCID: PMC8962531

University of Washington Department of Laboratory Medicine, University of Washington
Classification: Likely benign for Hereditary cancer-predisposing syndrome. Last evaluated: 2023-03-23. Review status: criteria provided, single submitter. Criteria: Dines et al. (Genet Med. 2020). Collection method: curation. Allele origin: germline.
Comment: Missense variant in a coldspot region where missense variants are very unlikely to be pathogenic (PMID:31911673).

BRCA1 coldspot (exon 11 using historical exon numbering). Reclassification based on statistical prior probability

Department of Pathology and Laboratory Medicine, Sinai Health System
Classification: Uncertain significance for Familial cancer of breast; Breast-ovarian cancer, familial, susceptibility to, 1; Fanconi anemia, complementation group S. Last evaluated: 2019-10-11. Review status: criteria provided, single submitter. Criteria: ACMG Guidelines, 2015. Collection method: clinical testing. Allele origin: germline. Affected: yes.

Literature cited by the submitters: PubMed 32885271 (cited by All of Us Research Program, National Institutes of Health); PubMed 33471991 (cited by All of Us Research Program, National Institutes of Health).